The following is an entry in ClinVar:

ClinVar aggregate classification (germline): Uncertain significance (1 of 4 stars; one submission).

Conditions:
Hereditary cancer-predisposing syndrome. Also called: Neoplastic Syndromes, Hereditary; Tumor predisposition; Hereditary Cancer Syndrome; Hereditary neoplastic syndrome. Identifiers: Orphanet 140162, MedGen C0027672, MeSH D009386, MONDO:0015356.

Submission:

Ambry Genetics
Classification: Uncertain significance for Hereditary cancer-predisposing syndrome. Last evaluated: 2025-08-25. Review status: criteria provided, single submitter. Criteria: Ambry Variant Classification Scheme 2023. Collection method: clinical testing. Allele origin: germline.
Comment: The p.R1240P variant (also known as c.3719G>C), located in coding exon 30 of the TSC2 gene, results from a G to C substitution at nucleotide position 3719. The arginine at codon 1240 is replaced by proline, an amino acid with dissimilar properties. This amino acid position is conserved. In addition, this alteration is predicted to be deleterious by in silico analysis. Based on the available evidence, the clinical significance of this variant remains unclear.

NM_000548.5(TSC2):c.3719G>C (p.Arg1240Pro)

Gene: TSC2 (TSC complex subunit 2; plus strand). Cytogenetic location: 16p13.3.
Variant type: single nucleotide variant.
Coding change: c.3719G>C on transcript NM_000548.5 (MANE Select); coding-DNA position 3719, G replaced by C.
Protein change: p.Arg1240Pro; replaces arginine 1240 with proline.
Molecular consequence: missense variant. On other transcripts: non-coding transcript variant (5).
Genome position (GRCh38, 1-based): chr16:2,081,703, G>C. VCF-style: chr16-2081703-G-C. GRCh37 (hg19) VCF-style: chr16-2131704-G-C.
Other names: c.3479G>C, p.Arg1160Pro (NM_001318827.2); c.3443G>C, p.Arg1148Pro (NM_001318829.2); c.2987G>C, p.Arg996Pro (NM_001318831.2, NM_001406687.1, NM_001406688.1); c.3620G>C, p.Arg1207Pro (NM_001318832.2); c.3590G>C, p.Arg1197Pro (NM_001363528.2, NM_001370405.1, NM_021055.3); c.3587G>C, p.Arg1196Pro (NM_001370404.1, NM_001406665.1, NM_001077183.3); c.3716G>C, p.Arg1239Pro (NM_001406663.1, NM_001406664.1); c.3719G>C, p.Arg1240Pro (NM_001114382.3); and 18 more; short protein forms R1040P, R1159P, R1190P, R1193P, R1227P, R1240P, R662P, R749P.
Identifiers: ClinVar variation 4192187 (VCV004192187.1).